The following is an entry in ClinVar:

NM_001953.5(TYMP):c.929-2A>T

Genes: TYMP (thymidine phosphorylase; minus strand), LOC130067862 (ATAC-STARR-seq lymphoblastoid silent region 13986; plus strand). Cytogenetic location: 22q13.33.
Variant type: single nucleotide variant.
Coding change: c.929-2A>T on transcript NM_001953.5 (MANE Select); the canonical splice acceptor site of the intron before coding-DNA position 929, A replaced by T.
Molecular consequence: splice acceptor variant.
Genome position (GRCh38, 1-based): chr22:50,526,478, T>A on the plus strand (A>T on the coding strand, the complement: TYMP is on the minus strand). VCF-style: chr22-50526478-T-A. GRCh37 (hg19) VCF-style: chr22-50964907-T-A.
Other names: c.929-2A>T (NM_001257989.1, NM_001257988.1, NM_001113755.3 and 1 more transcripts).
Identifiers: ClinVar variation 2771683 (VCV002771683.3), dbSNP rs2522515810, ClinGen allele CA412198446.

ClinVar aggregate classification (germline): Likely pathogenic (1 of 4 stars; one submission).

Submission:

Labcorp Genetics (formerly Invitae), Labcorp
Classification: Likely pathogenic. Last evaluated: 2023-10-24. Review status: criteria provided, single submitter. Criteria: Invitae Variant Classification Sherloc (09022015). Collection method: clinical testing. Allele origin: germline.
Comment: This sequence change affects an acceptor splice site in intron 7 of the TYMP gene. It is expected to disrupt RNA splicing. Variants that disrupt the donor or acceptor splice site typically lead to a loss of protein function (PMID: 16199547), and loss-of-function variants in TYMP are known to be pathogenic (PMID: 9924029, 15781193). This variant is not present in population databases (gnomAD no frequency). This variant has not been reported in the literature in individuals affected with TYMP-related conditions. Algorithms developed to predict the effect of sequence changes on RNA splicing suggest that this variant may disrupt the consensus splice site. In summary, the currently available evidence indicates that the variant is pathogenic, but additional data are needed to prove that conclusively. Therefore, this variant has been classified as Likely Pathogenic.

Literature cited by the submitters: PubMed 16199547; PubMed 9924029; PubMed 15781193.